The following is an entry in ClinVar:

NM_001242896.3(DEPDC5):c.1395dup (p.Val466fs)

Gene: DEPDC5 (DEP domain containing 5, GATOR1 subcomplex subunit; plus strand). Cytogenetic location: 22q12.3.
Variant type: Duplication.
Coding change: c.1395dup on transcript NM_001242896.3 (MANE Select); coding-DNA position 1395, one base duplicated (A; older notation c.1395dupA).
Protein change: p.Val466fs; shifts the reading frame from valine 466.
Molecular consequence: frameshift variant. On other transcripts: non-coding transcript variant (5).
Genome position (GRCh38, 1-based): chr22:31,810,591, A duplicated; the last of 2 consecutive A bases (chr22:31,810,590-31,810,591); duplicating either gives the same sequence. VCF-style (leftmost placement, unchanged base first): chr22-31810589-C-CA. GRCh37 (hg19) VCF-style: chr22-32206575-C-CA.
Other names: c.1395dup, p.Val466fs (NM_001007188.4, NM_001136029.4, NM_001242897.2 and 7 more transcripts); c.1311dup, p.Val438fs (NM_001369901.1, NM_001369902.1); short protein forms V438fs, V466fs.
Identifiers: ClinVar variation 931213 (VCV000931213.3), dbSNP rs2088167973, ClinGen allele CA1139667078.

ClinVar aggregate classification (germline): Likely pathogenic (1 of 4 stars; one submission).

Conditions:
Epilepsy, familial focal, with variable foci 1 (FFEVF1). Also called: DEPDC5-Related Epilepsy. Identifiers: MedGen C4551983, MONDO:0024556, OMIM 604364.

Submission:

Centre for Mendelian Genomics, University Medical Centre Ljubljana
Classification: Likely pathogenic for Epilepsy, familial focal, with variable foci 1. Last evaluated: 2018-10-02. Review status: criteria provided, single submitter. Criteria: ACMG Guidelines, 2015. Collection method: clinical testing. Allele origin: unknown. Affected: yes.
Comment: This variant was classified as: Likely pathogenic. The following ACMG criteria were applied in classifying this variant: PVS1,PM2.